The following is an entry in ClinVar:

ClinVar aggregate classification (germline): Uncertain significance (1 of 4 stars; one submission).

gnomAD v4.1: 1 of 1,610,906 alleles (0.000062%); highest among the groups gnomAD compares: African/African-American, 0.0013%; no homozygotes.

Submission:

GeneDx
Classification: Uncertain significance. Last evaluated: 2024-10-14. Review status: criteria provided, single submitter. Criteria: GeneDx Variant Classification Process June 2021. Collection method: clinical testing. Allele origin: germline. Affected: yes.
Comment: In silico analysis supports that this missense variant has a deleterious effect on protein structure/function; Has not been previously published as pathogenic or benign to our knowledge

NM_138792.4(LEO1):c.1331C>T (p.Ser444Leu)

Gene: LEO1 (LEO1 homolog, Paf1/RNA polymerase II complex component; minus strand). Cytogenetic location: 15q21.2.
Variant type: single nucleotide variant.
Coding change: c.1331C>T on transcript NM_138792.4 (MANE Select); coding-DNA position 1331, C replaced by T.
Protein change: p.Ser444Leu; replaces serine 444 with leucine.
Molecular consequence: missense variant. On other transcripts: intron variant (1).
Genome position (GRCh38, 1-based): chr15:51,954,490, G>A on the plus strand (C>T on the coding strand, the complement: LEO1 is on the minus strand). VCF-style: chr15-51954490-G-A. GRCh37 (hg19) VCF-style: chr15-52246687-G-A.
Other names: c.1331C>T, p.Ser444Leu (NM_001426598.1, NM_001323903.2, NM_001323904.2 and 1 more transcripts); c.1161-1227C>T (NM_001286430.2); short protein forms S444L.
Identifiers: ClinVar variation 3777594 (VCV003777594.1).